The following is an entry in ClinVar:

NM_000465.4(BARD1):c.250C>T (p.Pro84Ser)

Gene: BARD1 (BRCA1 associated RING domain 1; minus strand). Cytogenetic location: 2q35.
Variant type: single nucleotide variant.
Coding change: c.250C>T on transcript NM_000465.4 (MANE Select); coding-DNA position 250, C replaced by T.
Protein change: p.Pro84Ser; replaces proline 84 with serine.
Molecular consequence: missense variant. On other transcripts: non-coding transcript variant (1), intron variant (2).
Genome position (GRCh38, 1-based): chr2:214,792,411, G>A on the plus strand (C>T on the coding strand, the complement: BARD1 is on the minus strand). VCF-style: chr2-214792411-G-A. GRCh37 (hg19) VCF-style: chr2-215657135-G-A.
Other names: c.193C>T, p.Pro65Ser (NM_001282543.2); c.250C>T, p.Pro84Ser (NM_001282549.2); c.158+17001C>T (NM_001282548.2); c.215+4650C>T (NM_001282545.2); short protein forms P65S, P84S.
Identifiers: ClinVar variation 3627122 (VCV003627122.2).

ClinVar aggregate classification (germline): Uncertain significance (1 of 4 stars; one submission).

Conditions:
Familial cancer of breast. Also called: Hereditary breast cancer; hereditary breast carcinoma; BREAST CANCER, FAMILIAL. Identifiers: Orphanet 227535, MedGen C0346153, MONDO:0016419, OMIM 114480. Disease mechanism: loss of function.

Submission:

Labcorp Genetics (formerly Invitae), Labcorp
Classification: Uncertain significance for Familial cancer of breast. Last evaluated: 2025-01-17. Review status: criteria provided, single submitter. Criteria: Invitae Variant Classification Sherloc (09022015). Collection method: clinical testing. Allele origin: germline.
Comment: This sequence change replaces proline, which is neutral and non-polar, with serine, which is neutral and polar, at codon 84 of the BARD1 protein (p.Pro84Ser). This variant is not present in population databases (gnomAD no frequency). This variant has not been reported in the literature in individuals affected with BARD1-related conditions. An algorithm developed to predict the effect of missense changes on protein structure and function (PolyPhen-2) suggests that this variant is likely to be disruptive. Experimental studies have shown that this missense change does not substantially affect BARD1 function (PMID: 26350354). In summary, the available evidence is currently insufficient to determine the role of this variant in disease. Therefore, it has been classified as a Variant of Uncertain Significance.

Literature cited by the submitters: PubMed 26350354.